The following is an entry in ClinVar:

NM_025243.4(SLC19A3):c.1448A>G (p.His483Arg)

Gene: SLC19A3 (solute carrier family 19 member 3; minus strand). Cytogenetic location: 2q36.3.
Variant type: single nucleotide variant.
Coding change: c.1448A>G on transcript NM_025243.4 (MANE Select); coding-DNA position 1448, A replaced by G.
Protein change: p.His483Arg; replaces histidine 483 with arginine.
Molecular consequence: missense variant.
Genome position (GRCh38, 1-based): chr2:227,687,440, T>C on the plus strand (A>G on the coding strand, the complement: SLC19A3 is on the minus strand). VCF-style: chr2-227687440-T-C. GRCh37 (hg19) VCF-style: chr2-228552156-T-C.
Other names: short protein forms H483R.
Identifiers: ClinVar variation 647857 (VCV000647857.9), dbSNP rs1574540386, ClinGen allele CA350875020.

ClinVar aggregate classification (germline): Uncertain significance (1 of 4 stars; one submission).

Conditions:
Biotin-responsive basal ganglia disease (BTBGD). Also called: THIAMINE METABOLISM DYSFUNCTION SYNDROME 2 (BIOTIN- AND THIAMINE-RESPONSIVE TYPE); Thiamine metabolism dysfunction syndrome 2 (biotin- or thiamine-responsive encephalopathy type 2); thiamine-responsive encephalopathy; Thiamine metabolism dysfunction syndrome type 2; Thiamine Transporter-2 Deficiency. Identifiers: Orphanet 199348, Orphanet 65284, MedGen C1843807, MONDO:0011841, OMIM 607483.

Submission:

Labcorp Genetics (formerly Invitae), Labcorp
Classification: Uncertain significance for Biotin-responsive basal ganglia disease. Last evaluated: 2018-10-06. Review status: criteria provided, single submitter. Criteria: Invitae Variant Classification Sherloc (09022015). Collection method: clinical testing. Allele origin: germline.
Comment: This sequence change replaces histidine with arginine at codon 483 of the SLC19A3 protein (p.His483Arg). The histidine residue is weakly conserved and there is a small physicochemical difference between histidine and arginine. This variant is not present in population databases (ExAC no frequency). This variant has not been reported in the literature in individuals with SLC19A3-related disease. Algorithms developed to predict the effect of missense changes on protein structure and function (SIFT, PolyPhen-2, Align-GVGD) all suggest that this variant is likely to be tolerated, but these predictions have not been confirmed by published functional studies and their clinical significance is uncertain. In summary, the available evidence is currently insufficient to determine the role of this variant in disease. Therefore, it has been classified as a Variant of Uncertain Significance.